The following is an entry in ClinVar:

ClinVar aggregate classification (germline): Conflicting classifications of pathogenicity. Review status: criteria provided, conflicting classifications (1 of 4 stars). 7 submissions from 7 submitters: Uncertain significance (6); Likely benign (1). Last evaluated 2026-02-16.

Conditions:
STAT1-related disorder. Also called: STAT1-related condition.
Autoimmune enteropathy and endocrinopathy - susceptibility to chronic infections syndrome. Also called: Immunodeficiency 31C, autosomal dominant; Immunodeficiency 31C. Identifiers: Orphanet 391487, MedGen C3279990, MONDO:0013599, OMIM 614162.
Immunodeficiency 31B. Also called: IMMUNODEFICIENCY 31B, MYCOBACTERIAL AND VIRAL INFECTIONS, AUTOSOMAL RECESSIVE; STAT1 DEFICIENCY, AUTOSOMAL RECESSIVE. Identifiers: Orphanet 391311, MedGen C3151088, MONDO:0013427, OMIM 613796.
Mendelian susceptibility to mycobacterial diseases due to partial STAT1 deficiency. Also called: IMMUNODEFICIENCY 31A, MYCOBACTERIOSIS, AUTOSOMAL DOMINANT; STAT1 DEFICIENCY, AUTOSOMAL DOMINANT; Immunodeficiency 31a. Identifiers: Orphanet 319595, MedGen C4013950, MONDO:0013956, OMIM 614892.

Allele frequency attached by ClinVar (database versions not stated): gnomAD 0.00010 and 0.00011; TOPMed 0.00015; ExAC 0.00022; ESP Exome Variant Server 0.00046.
gnomAD v4.1: 206 of 1,613,570 alleles (0.013%); highest among the groups gnomAD compares: Middle Eastern, 0.13%; no homozygotes.

Submissions (7):

PreventionGenetics, part of Exact Sciences
Classification: Uncertain significance for STAT1-related condition. Last evaluated: 2026-02-16. Review status: criteria provided, single submitter. Criteria: ACMG Guidelines, 2015. Collection method: clinical testing. Allele origin: germline.
Comment: The STAT1 c.1341C>A variant is predicted to result in the amino acid substitution p.Asp447Glu. To our knowledge, this variant has not been reported in the literature. This variant is reported in 0.033% of alleles in individuals of South Asian descent in gnomAD, which may be too common to be causative. Although we suspect that this variant may be benign, at this time, the clinical significance of this variant is uncertain due to the absence of conclusive functional and genetic evidence.

Labcorp Genetics (formerly Invitae), Labcorp
Classification: Uncertain significance for Mendelian susceptibility to mycobacterial diseases due to partial STAT1 deficiency; Immunodeficiency 31B; Autoimmune enteropathy and endocrinopathy - susceptibility to chronic infections syndrome. Last evaluated: 2025-11-23. Review status: criteria provided, single submitter. Criteria: Invitae Variant Classification Sherloc (09022015). Collection method: clinical testing. Allele origin: germline.
Comment: This sequence change replaces aspartic acid, which is acidic and polar, with glutamic acid, which is acidic and polar, at codon 447 of the STAT1 protein (p.Asp447Glu). This variant is present in population databases (rs140351189, gnomAD 0.03%). This variant has not been reported in the literature in individuals affected with STAT1-related conditions. ClinVar contains an entry for this variant (Variation ID: 333273). An algorithm developed to predict the effect of missense changes on protein structure and function (PolyPhen-2) suggests that this variant is likely to be tolerated. In summary, the available evidence is currently insufficient to determine the role of this variant in disease. Therefore, it has been classified as a Variant of Uncertain Significance.

Blueprint Genetics
Classification: Uncertain significance. Last evaluated: 2024-11-07. Review status: criteria provided, single submitter. Criteria: ACMG Guidelines, 2015. Collection method: clinical testing. Allele origin: germline.

Revvity Omics, Revvity
Classification: Uncertain significance. Last evaluated: 2024-01-24. Review status: criteria provided, single submitter. Criteria: ACMG Guidelines, 2015. Collection method: clinical testing. Allele origin: germline.

GeneDx
Classification: Uncertain significance. Last evaluated: 2023-10-03. Review status: criteria provided, single submitter. Criteria: GeneDx Variant Classification Process June 2021. Collection method: clinical testing. Allele origin: germline. Affected: yes.
Comment: In silico analysis supports that this missense variant does not alter protein structure/function; Identified as a homozygous variant a patient with severe encephalopathy who also harbored variants in additional genes in published literature (Granzow et al., 2015); This variant is associated with the following publications: (PMID: 26050939)

Illumina Laboratory Services, Illumina
Classification: Likely benign for Mendelian susceptibility to mycobacterial diseases due to partial STAT1 deficiency. Last evaluated: 2018-01-12. Review status: criteria provided, single submitter. Criteria: ICSL Variant Classification Criteria 13 December 2019. Collection method: clinical testing. Allele origin: germline.
Comment: This variant was observed in the ICSL laboratory as part of a predisposition screen in an ostensibly healthy population. It had not been previously curated by ICSL or reported in the Human Gene Mutation Database (HGMD: prior to June 1st, 2018), and was therefore a candidate for classification through an automated scoring system. Utilizing variant allele frequency, disease prevalence and penetrance estimates, and inheritance mode, an automated score was calculated to assess if this variant is too frequent to cause the disease. Based on the score and internal cut-off values, a variant classified as likely benign is not then subjected to further curation. The score for this variant resulted in a classification of likely benign for this disease.

Genetic Services Laboratory, University of Chicago
Classification: Uncertain significance. Last evaluated: 2016-08-15. Review status: criteria provided, single submitter. Criteria: ACMG Guidelines, 2015. Collection method: clinical testing. Allele origin: germline. Affected: no.

NM_007315.4(STAT1):c.1341C>A (p.Asp447Glu)

Gene: STAT1 (signal transducer and activator of transcription 1; minus strand). Cytogenetic location: 2q32.2.
Variant type: single nucleotide variant.
Coding change: c.1341C>A on transcript NM_007315.4 (MANE Select); coding-DNA position 1341, C replaced by A.
Protein change: p.Asp447Glu; replaces aspartic acid 447 with glutamic acid.
Molecular consequence: missense variant.
Genome position (GRCh38, 1-based): chr2:190,984,316, G>T on the plus strand (C>A on the coding strand, the complement: STAT1 is on the minus strand). VCF-style: chr2-190984316-G-T. GRCh37 (hg19) VCF-style: chr2-191849042-G-T.
Other names: c.1281C>A, p.Asp427Glu (NM_001384880.1); c.1347C>A, p.Asp449Glu (NM_001384881.1, NM_001384884.1); c.1335C>A, p.Asp445Glu (NM_001384882.1); c.1242C>A, p.Asp414Glu (NM_001384883.1); c.1182C>A, p.Asp394Glu (NM_001384885.1); c.1341C>A, p.Asp447Glu (NM_001384886.1, NM_001384889.1, NM_139266.3); c.1248C>A, p.Asp416Glu (NM_001384887.1); c.1311C>A, p.Asp437Glu (NM_001384888.1); and 2 more; short protein forms D447E, D394E, D414E, D416E, D417E, D427E, D437E, D445E.
Identifiers: ClinVar variation 333273 (VCV000333273.19), dbSNP rs140351189, ClinGen allele CA2029962.